The following is an entry in ClinVar:

ClinVar aggregate classification (germline): Likely benign (1 of 4 stars; one submission).

Conditions:
RAI1-related disorder. Also called: RAI1-related condition.

Submission:

PreventionGenetics, part of Exact Sciences
Classification: Likely benign for RAI1-related condition. Last evaluated: 2025-09-23. Review status: criteria provided, single submitter. Criteria: ACMG Guidelines, 2015. Collection method: clinical testing. Allele origin: germline.
Comment: This variant is classified as likely benign based on ACMG/AMP sequence variant interpretation guidelines (Richards et al. 2015 PMID: 25741868, with internal and published modifications).

NM_030665.4(RAI1):c.3642C>G (p.Leu1214=)

Gene: RAI1 (retinoic acid induced 1; plus strand). Cytogenetic location: 17p11.2.
Variant type: single nucleotide variant.
Coding change: c.3642C>G on transcript NM_030665.4 (MANE Select); coding-DNA position 3642, C replaced by G.
Protein change: p.Leu1214=; no amino-acid change (leucine 1214 retained).
Molecular consequence: synonymous variant.
Genome position (GRCh38, 1-based): chr17:17,796,590, C>G. VCF-style: chr17-17796590-C-G. GRCh37 (hg19) VCF-style: chr17-17699904-C-G.
Identifiers: ClinVar variation 4993346 (VCV004993346.1).